The following is an entry in ClinVar:

NM_032043.3(BRIP1):c.848G>A (p.Cys283Tyr)

Gene: BRIP1 (BRCA1 interacting DNA helicase 1; minus strand). Cytogenetic location: 17q23.2.
Variant type: single nucleotide variant.
Coding change: c.848G>A on transcript NM_032043.3 (MANE Select); coding-DNA position 848, G replaced by A.
Protein change: p.Cys283Tyr; replaces cysteine 283 with tyrosine.
Molecular consequence: missense variant.
Genome position (GRCh38, 1-based): chr17:61,808,537, C>T on the plus strand (G>A on the coding strand, the complement: BRIP1 is on the minus strand). VCF-style: chr17-61808537-C-T. GRCh37 (hg19) VCF-style: chr17-59885898-C-T.
Other names: c.848G>A (NM_032043.2); short protein forms C283Y.
Identifiers: ClinVar variation 915316 (VCV000915316.9), dbSNP rs771096783, ClinGen allele CA8690844.

ClinVar aggregate classification (germline): Uncertain significance. Review status: criteria provided, multiple submitters, no conflicts (2 of 4 stars). 3 submissions from 3 submitters: Uncertain significance (3). Last evaluated 2024-12-26.

Conditions:
Familial cancer of breast. Also called: BREAST CANCER, FAMILIAL; Hereditary breast cancer; hereditary breast carcinoma. Identifiers: Orphanet 227535, MedGen C0346153, MONDO:0016419, OMIM 114480. Disease mechanism: loss of function.
Fanconi anemia complementation group J. Also called: BRIP1-Related Fanconi Anemia. Identifiers: Orphanet 84, MedGen C1836860, MONDO:0012187, OMIM 609054.
Hereditary cancer-predisposing syndrome. Also called: Hereditary Cancer Syndrome; Tumor predisposition; Hereditary neoplastic syndrome; Neoplastic Syndromes, Hereditary. Identifiers: Orphanet 140162, MedGen C0027672, MeSH D009386, MONDO:0015356.

Allele frequency attached by ClinVar (database versions not stated): gnomAD exomes below 0.00001; ExAC 0.00001.
gnomAD v4.1: 4 of 1,613,670 alleles (0.00025%); highest among the groups gnomAD compares: East Asian, 0.0022%; no homozygotes.

Submissions (3):

Labcorp Genetics (formerly Invitae), Labcorp
Classification: Uncertain significance for Familial cancer of breast; Fanconi anemia complementation group J. Last evaluated: 2024-12-26. Review status: criteria provided, single submitter. Criteria: Invitae Variant Classification Sherloc (09022015). Collection method: clinical testing. Allele origin: germline.
Comment: This sequence change replaces cysteine, which is neutral and slightly polar, with tyrosine, which is neutral and polar, at codon 283 of the BRIP1 protein (p.Cys283Tyr). This variant is present in population databases (rs771096783, gnomAD 0.0009%). This variant has not been reported in the literature in individuals affected with BRIP1-related conditions. ClinVar contains an entry for this variant (Variation ID: 915316). Invitae Evidence Modeling of protein sequence and biophysical properties (such as structural, functional, and spatial information, amino acid conservation, physicochemical variation, residue mobility, and thermodynamic stability) indicates that this missense variant is expected to disrupt BRIP1 protein function with a positive predictive value of 95%. In summary, the available evidence is currently insufficient to determine the role of this variant in disease. Therefore, it has been classified as a Variant of Uncertain Significance.

Ambry Genetics
Classification: Uncertain significance for Hereditary cancer-predisposing syndrome. Last evaluated: 2020-08-07. Review status: criteria provided, single submitter. Criteria: Ambry Variant Classification Scheme 2023. Collection method: clinical testing. Allele origin: germline.
Comment: The p.C283Y variant (also known as c.848G>A), located in coding exon 6 of the BRIP1 gene, results from a G to A substitution at nucleotide position 848. The cysteine at codon 283 is replaced by tyrosine, an amino acid with highly dissimilar properties. This amino acid position is highly conserved in available vertebrate species. In addition, this alteration is predicted to be deleterious by in silico analysis. Since supporting evidence is limited at this time, the clinical significance of this alteration remains unclear.

Genomic Research Center, Shahid Beheshti University of Medical Sciences
Classification: Uncertain significance for Familial cancer of breast. Last evaluated: 2020-05-03. Review status: criteria provided, single submitter. Criteria: ACMG Guidelines, 2015. Collection method: clinical testing. Allele origin: unknown. Affected: yes.